The following is an entry in ClinVar:

NM_203447.4(DOCK8):c.1615C>T (p.Arg539Cys)

Gene: DOCK8 (dedicator of cytokinesis 8; plus strand). Cytogenetic location: 9p24.3.
Variant type: single nucleotide variant.
Coding change: c.1615C>T on transcript NM_203447.4 (MANE Select); coding-DNA position 1615, C replaced by T.
Protein change: p.Arg539Cys; replaces arginine 539 with cysteine.
Molecular consequence: missense variant.
Genome position (GRCh38, 1-based): chr9:340,257, C>T. VCF-style: chr9-340257-C-T. GRCh37 (hg19) VCF-style: chr9-340257-C-T.
Other names: c.1411C>T, p.Arg471Cys (NM_001190458.2, NM_001193536.2); short protein forms R471C, R539C.
Identifiers: ClinVar variation 964327 (VCV000964327.7), dbSNP rs756969917, ClinGen allele CA4957803.

ClinVar aggregate classification (germline): Uncertain significance (1 of 4 stars; one submission).

Conditions:
Combined immunodeficiency due to DOCK8 deficiency (HIES2). Also called: HIES autosomal recessive; DOCK8 Deficiency; Hyper-IgE recurrent infection syndrome, autosomal recessive; HYPER-IgE RECURRENT INFECTION SYNDROME 2, AUTOSOMAL RECESSIVE; HYPER-IgE SYNDROME 2, AUTOSOMAL RECESSIVE, WITH RECURRENT INFECTIONS. Identifiers: Orphanet 217390, MedGen C4722305, MONDO:0009478, OMIM 243700.

Allele frequency attached by ClinVar (database versions not stated): ExAC 0.00001; gnomAD 0.00001; TOPMed 0.00001; gnomAD exomes 0.00002.
gnomAD v4.1: 13 of 1,614,046 alleles (0.00081%); highest among the groups gnomAD compares: Admixed American, 0.0033%; no homozygotes.

Submission:

Labcorp Genetics (formerly Invitae), Labcorp
Classification: Uncertain significance for Combined immunodeficiency due to DOCK8 deficiency. Last evaluated: 2021-08-26. Review status: criteria provided, single submitter. Criteria: Invitae Variant Classification Sherloc (09022015). Collection method: clinical testing. Allele origin: germline.
Comment: This sequence change replaces arginine with cysteine at codon 539 of the DOCK8 protein (p.Arg539Cys). The arginine residue is highly conserved and there is a large physicochemical difference between arginine and cysteine. This variant is present in population databases (rs756969917, ExAC 0.006%). This variant has not been reported in the literature in individuals affected with DOCK8-related conditions. Algorithms developed to predict the effect of missense changes on protein structure and function (SIFT, PolyPhen-2, Align-GVGD) all suggest that this variant is likely to be disruptive. In summary, the available evidence is currently insufficient to determine the role of this variant in disease. Therefore, it has been classified as a Variant of Uncertain Significance.